The following is an entry in ClinVar:

Conditions:
Breast-ovarian cancer, familial, susceptibility to, 1 (BROVCA1). Also called: BRCA1 Hereditary Breast and Ovarian Cancer; OVARIAN CANCER, SUSCEPTIBILITY TO. Identifiers: Orphanet 145, MedGen C2676676, MONDO:0011450, OMIM 604370. Disease mechanism: loss of function.

Submission:

Brotman Baty Institute, University of Washington
No classification provided (evidence only). Condition: Breast-ovarian cancer, familial 1. Review status: no classification provided. Collection method: in vitro. Allele origin: not applicable. Functional consequence: functionally_normal.
ClinVar note: "not provided" was previously submitted as the classification for the variant. However, the classification appeared to be based only on an observation of functional data so it was converted to no classification on 2025-07-30.

NM_007294.4(BRCA1):c.5153-27A>C

Gene: BRCA1 (BRCA1 DNA repair associated; minus strand). Cytogenetic location: 17q21.31.
Variant type: single nucleotide variant.
Coding change: c.5153-27A>C on transcript NM_007294.4 (MANE Select); 27 bases into the intron before coding-DNA position 5153, A replaced by C.
Molecular consequence: intron variant.
Genome position (GRCh38, 1-based): chr17:43,063,400, T>G on the plus strand (A>C on the coding strand, the complement: BRCA1 is on the minus strand). VCF-style: chr17-43063400-T-G. GRCh37 (hg19) VCF-style: chr17-41215417-T-G.
Other names: c.1700-27A>C (NM_001408458.1, NM_001408461.1, NM_001408464.1 and 7 more transcripts); c.4262-27A>C (NM_001407967.1); c.4772-27A>C (NM_001407959.1); c.4886-27A>C (NM_001407931.1, NM_001407932.1, NM_001407928.1 and 4 more transcripts); c.5009-27A>C (NM_001407747.1, NM_001407745.1, NM_001407737.1 and 21 more transcripts); c.4769-27A>C (NM_001407962.1, NM_001407960.1); c.1340-27A>C (NM_001408512.1); c.1463-27A>C (NM_001408510.1); and 72 more.
Identifiers: ClinVar variation 867716 (VCV000867716.3), dbSNP rs2051878734, ClinGen allele CA916080106.
Genomic context (GRCh38, chr17:43,063,400, plus strand): 5'-AGCATTTTTCTTTCTTTAATAGACTGGGTCACCCCTAAAGAGATCATAGAAAAGACAGGT[T>G]ACATACAGCAGAAGAACGTGCTCTTTTCACGGAGATAGAGAGGTCAGCGATTCACAAAAG-3'